The following is an entry in ClinVar:

ClinVar aggregate classification (germline): Likely pathogenic (1 of 4 stars; one submission).

Conditions:
Autosomal recessive limb-girdle muscular dystrophy type 2J (LGMDR10). Also called: Limb-girdle muscular dystrophy, type 2J; MUSCULAR DYSTROPHY, LIMB-GIRDLE, AUTOSOMAL RECESSIVE 10. Identifiers: Orphanet 140922, MedGen C1837342, MONDO:0012127, OMIM 608807.
Dilated cardiomyopathy 1G (CMD1G). Identifiers: Orphanet 154, MedGen C1858763, MONDO:0011400, OMIM 604145.

Submission:

Labcorp Genetics (formerly Invitae), Labcorp
Classification: Likely pathogenic for Dilated cardiomyopathy 1G; Autosomal recessive limb-girdle muscular dystrophy type 2J. Last evaluated: 2025-06-08. Review status: criteria provided, single submitter. Criteria: Invitae Variant Classification Sherloc (09022015). Collection method: clinical testing. Allele origin: germline.
Comment: This sequence change affects a donor splice site in intron 327 of the TTN gene. It is expected to disrupt RNA splicing and likely results in a truncated or disrupted TTN protein. This variant is not present in population databases (gnomAD no frequency). This variant has not been reported in the literature in individuals affected with TTN-related conditions. Algorithms developed to predict the effect of sequence changes on RNA splicing suggest that this variant may disrupt the consensus splice site. This variant is located in the A band of TTN (PMID: 25589632). Truncating variants in this region are significantly overrepresented in patients affected with dilated cardiomyopathy (PMID: 25589632). Truncating variants in this region have also been reported in individuals affected with autosomal recessive centronuclear myopathy (PMID: 23975875). In summary, the currently available evidence indicates that the variant is pathogenic, but additional data are needed to prove that conclusively. Therefore, this variant has been classified as Likely Pathogenic.

Literature cited by the submitters: PubMed 25589632; PubMed 23975875.

NM_001267550.2(TTN):c.87118+1G>C

Genes: TTN (titin; minus strand), TTN-AS1 (TTN antisense RNA 1; plus strand). Cytogenetic location: 2q31.2.
Variant type: single nucleotide variant.
Coding change: c.87118+1G>C on transcript NM_001267550.2 (MANE Select); the canonical splice donor site of the intron after coding-DNA position 87118, G replaced by C.
Molecular consequence: splice donor variant.
Genome position (GRCh38, 1-based): chr2:178,558,340, C>G on the plus strand (G>C on the coding strand, the complement: TTN is on the minus strand). VCF-style: chr2-178558340-C-G. GRCh37 (hg19) VCF-style: chr2-179423067-C-G.
Other names: c.59923+1G>C (NM_003319.4); c.60499+1G>C (NM_133437.4); c.60298+1G>C (NM_133432.3); c.79414+1G>C (NM_133378.4); c.82195+1G>C (NM_001256850.1).
Identifiers: ClinVar variation 4785218 (VCV004785218.1).